The following is an entry in ClinVar:

NM_001110556.2(FLNA):c.2504C>T (p.Thr835Met)

Gene: FLNA (filamin A; minus strand). Cytogenetic location: Xq28.
Variant type: single nucleotide variant.
Coding change: c.2504C>T on transcript NM_001110556.2 (MANE Select); coding-DNA position 2504, C replaced by T.
Protein change: p.Thr835Met; replaces threonine 835 with methionine.
Molecular consequence: missense variant.
Genome position (GRCh38, 1-based): chrX:154,362,479, G>A on the plus strand (C>T on the coding strand, the complement: FLNA is on the minus strand). VCF-style: chrX-154362479-G-A. GRCh37 (hg19) VCF-style: chrX-153590847-G-A.
Other names: c.2504C>T, p.Thr835Met (NM_001456.4); short protein forms T835M.
Identifiers: ClinVar variation 211012 (VCV000211012.10), dbSNP rs782315127, ClinGen allele CA207414.

ClinVar aggregate classification (germline): Likely benign. Review status: criteria provided, multiple submitters, no conflicts (2 of 4 stars). 3 submissions from 3 submitters: Likely benign (3). Last evaluated 2025-04-24.

Conditions:
Oto-palato-digital syndrome, type II (OPD2). Also called: Otopalatodigital Syndrome, Type II; FACIOPALATOOSSEOUS SYNDROME; OPD II SYNDROME; Otopalatodigital Syndrome Type 2 (FLNA-OPD2). Identifiers: Orphanet 669, Orphanet 90652, MedGen C1844696, MONDO:0010571, OMIM 304120.
Frontometaphyseal dysplasia (FMD1). Identifiers: Orphanet 1826, MedGen C0265293, MONDO:0015942.
Heterotopia, periventricular, X-linked dominant (PVNH1). Also called: PERIVENTRICULAR NODULAR HETEROTOPIA 1; X-linked periventricular heterotopia; PERIVENTRICULAR NODULAR HETEROTOPIA 4; HETEROTOPIA, PERIVENTRICULAR, 1. Identifiers: Orphanet 2149, Orphanet 82004, MedGen C1848213, MONDO:0010233, OMIM 300049.
Melnick-Needles syndrome (MNS). Also called: MELNICK-NEEDLES OSTEODYSPLASTY; OSTEODYSPLASTY OF MELNICK AND NEEDLES; Melnick-Needles Syndrome (FLNA-MNS). Identifiers: Orphanet 2484, MedGen C0025237, MONDO:0010650, OMIM 309350.

Allele frequency attached by ClinVar (database versions not stated): gnomAD exomes 0.00001; ExAC 0.00002.
gnomAD v4.1: 9 of 1,211,687 alleles (0.00074%); highest among the groups gnomAD compares: South Asian, 0.0018%; no homozygotes.

Submissions (3):

Labcorp Genetics (formerly Invitae), Labcorp
Classification: Likely benign for Oto-palato-digital syndrome, type II; Heterotopia, periventricular, X-linked dominant; Frontometaphyseal dysplasia; Melnick-Needles syndrome. Last evaluated: 2025-04-24. Review status: criteria provided, single submitter. Criteria: Invitae Variant Classification Sherloc (09022015). Collection method: clinical testing. Allele origin: germline.

GeneDx
Classification: Likely benign. Last evaluated: 2017-09-12. Review status: criteria provided, single submitter. Criteria: GeneDx Variant Classification (06012015). Collection method: clinical testing. Allele origin: germline. Affected: yes.
Comment: This variant is considered likely benign or benign based on one or more of the following criteria: it is a conservative change, it occurs at a poorly conserved position in the protein, it is predicted to be benign by multiple in silico algorithms, and/or has population frequency not consistent with disease.

Genetic Services Laboratory, University of Chicago
Classification: Likely benign. Last evaluated: 2014-10-03. Review status: criteria provided, single submitter. Criteria: ACMG Guidelines, 2015. Collection method: clinical testing. Allele origin: germline.